The following is an entry in ClinVar:

ClinVar aggregate classification (germline): Uncertain significance (1 of 4 stars; one submission).

gnomAD v4.1: 1 of 1,613,856 alleles (0.000062%); highest among the groups gnomAD compares: Non-Finnish European, 0.000085%; no homozygotes.

Submission:

Ambry Genetics
Classification: Uncertain significance. Last evaluated: 2023-08-28. Review status: criteria provided, single submitter. Criteria: Ambry Variant Classification Scheme 2023. Collection method: clinical testing. Allele origin: germline.
Comment: The p.L477V variant (also known as c.1429C>G), located in coding exon 14 of the KIF1B gene, results from a C to G substitution at nucleotide position 1429. The leucine at codon 477 is replaced by valine, an amino acid with highly similar properties. This amino acid position is well conserved in available vertebrate species. In addition, the in silico prediction for this alteration is inconclusive. Since supporting evidence is limited at this time, the clinical significance of this alteration remains unclear.

NM_001365951.3(KIF1B):c.1567C>G (p.Leu523Val)

Gene: KIF1B (kinesin family member 1B; plus strand). Cytogenetic location: 1p36.22.
Variant type: single nucleotide variant.
Coding change: c.1567C>G on transcript NM_001365951.3 (MANE Select); coding-DNA position 1567, C replaced by G.
Protein change: p.Leu523Val; replaces leucine 523 with valine.
Molecular consequence: missense variant.
Genome position (GRCh38, 1-based): chr1:10,292,099, C>G. VCF-style: chr1-10292099-C-G. GRCh37 (hg19) VCF-style: chr1-10352157-C-G.
Other names: c.1567C>G, p.Leu523Val (NM_001365952.1); c.1429C>G, p.Leu477Val (NM_001365953.1, NM_015074.3, NM_183416.4); short protein forms L477V, L523V.
Identifiers: ClinVar variation 1772440 (VCV001772440.3), dbSNP rs2521358377, ClinGen allele CA338313512.
Genomic context (GRCh38, chr1:10,292,099, plus strand): 5'-TTTCCTAGAGAGGCTTTGTTGGCTGAGATGGGAGTTGCCATTCGGGAAGATGGAGGAACC[C>G]TAGGGGTTTTCTCACCTAAAAAGGTAGGAAACAATGCTGTGAAACCTAATCAGACAGAGA-3'
Protein context (NP_001352880.1, residues 513-533): GVAIREDGGT[Leu523Val]GVFSPKKTPH